The following is an entry in ClinVar:

NM_000426.4(LAMA2):c.9145C>G (p.Gln3049Glu)

Gene: LAMA2 (laminin subunit alpha 2; plus strand). Cytogenetic location: 6q22.33.
Variant type: single nucleotide variant.
Coding change: c.9145C>G on transcript NM_000426.4 (MANE Select); coding-DNA position 9145, C replaced by G.
Protein change: p.Gln3049Glu; replaces glutamine 3049 with glutamic acid.
Molecular consequence: missense variant.
Genome position (GRCh38, 1-based): chr6:129,514,529, C>G. VCF-style: chr6-129514529-C-G. GRCh37 (hg19) VCF-style: chr6-129835674-C-G.
Other names: c.9133C>G, p.Gln3045Glu (NM_001079823.2); short protein forms Q3049E, Q3045E.
Identifiers: ClinVar variation 162582 (VCV000162582.23), dbSNP rs146525742, ClinGen allele CA295410.

ClinVar aggregate classification (germline): Conflicting classifications of pathogenicity. Review status: criteria provided, conflicting classifications (1 of 4 stars). 7 submissions from 7 submitters: Uncertain significance (5); Likely benign (1). 1 of the submissions does not count toward it. Last evaluated 2025-11-28.

Conditions:
LAMA2-related muscular dystrophy (LAMA2-RD). Also called: Laminin alpha 2-related dystrophy. Identifiers: MedGen C5679788, MONDO:0100228.
Congenital muscular dystrophy due to partial LAMA2 deficiency. Identifiers: MedGen C1842898.
Merosin deficient congenital muscular dystrophy (MDC1A). Also called: Congenital merosin-deficient muscular dystrophy 1A; Congenital Muscular Dystrophy Type 1A (MDC1A). Identifiers: Orphanet 258, MedGen C1263858, MONDO:0011925, OMIM 607855.

Allele frequency attached by ClinVar (database versions not stated): gnomAD 0.00006 and 0.00009; ExAC 0.00007; ESP Exome Variant Server 0.00008; gnomAD exomes 0.00010 and 0.00012; TOPMed 0.00012.

Submissions (7):

Labcorp Genetics (formerly Invitae), Labcorp
Classification: Likely benign for LAMA2-related muscular dystrophy. Last evaluated: 2025-11-28. Review status: criteria provided, single submitter. Criteria: Invitae Variant Classification Sherloc (09022015). Collection method: clinical testing. Allele origin: germline.

GeneDx
Classification: Uncertain significance. Last evaluated: 2025-06-06. Review status: criteria provided, single submitter. Criteria: GeneDx Variant Classification Process June 2021. Collection method: clinical testing. Allele origin: germline. Affected: yes.
Comment: Reported as a heterozygous variant in a patient with limb-girdle muscular dystrophy in the published literature; however, a second variant in LAMA2 gene was not reported (PMID: 27854218); In silico analysis suggests that this missense variant does not alter protein structure/function; This variant is associated with the following publications: (PMID: 27854218)

Mayo Clinic Laboratories, Mayo Clinic
Classification: Uncertain significance. Last evaluated: 2023-08-17. Review status: criteria provided, single submitter. Criteria: ACMG Guidelines, 2015. Collection method: clinical testing. Allele origin: germline. Observed: 1 variant allele.
Comment: BP4

Revvity Omics, Revvity
Classification: Uncertain significance. Last evaluated: 2023-01-03. Review status: criteria provided, single submitter. Criteria: ACMG Guidelines, 2015. Collection method: clinical testing. Allele origin: germline.

Illumina Laboratory Services, Illumina
Classification: Uncertain significance for Congenital muscular dystrophy due to partial LAMA2 deficiency. Last evaluated: 2018-01-12. Review status: criteria provided, single submitter. Criteria: ICSL Variant Classification Criteria 13 December 2019. Collection method: clinical testing. Allele origin: germline.

Center for Genetic Medicine Research, Children's National Medical Center
Classification: Uncertain significance. Last evaluated: 2015-12-01. Review status: criteria provided, single submitter. Criteria: Punetha et al. (J Neuromuscul Dis. 2016). Collection method: research. Allele origin: unknown.

Counsyl
Classification: Uncertain significance for Merosin deficient congenital muscular dystrophy. Last evaluated: 2018-05-10. Review status: no assertion criteria provided. Collection method: clinical testing. Allele origin: unknown. Not counted in ClinVar's aggregate classification.

Literature cited by the submitters: PubMed 27854218 (cited by Mayo Clinic Laboratories, Mayo Clinic and Counsyl).